The following is an entry in ClinVar:

NM_000540.3(RYR1):c.7215-1G>T

Gene: RYR1 (ryanodine receptor 1; plus strand). Cytogenetic location: 19q13.2.
Variant type: single nucleotide variant.
Coding change: c.7215-1G>T on transcript NM_000540.3 (MANE Select); the canonical splice acceptor site of the intron before coding-DNA position 7215, G replaced by T.
Molecular consequence: splice acceptor variant.
Genome position (GRCh38, 1-based): chr19:38,499,907, G>T. VCF-style: chr19-38499907-G-T. GRCh37 (hg19) VCF-style: chr19-38990547-G-T.
Other names: c.7215-1G>T (NM_001042723.2).
Identifiers: ClinVar variation 2839567 (VCV002839567.3), dbSNP rs2514315134, ClinGen allele CA405669012.
Genomic context (GRCh38, chr19:38,499,907, plus strand): 5'-TAGGGCAACCCGCCCTCCCTGGCCCCTGGCTGCCTCCCCAACCCACCCACCTTCCCTGCA[G>T]CTTTGGTGAGGAACCGCCTGAAGAAAACCGGGTGCACCTGGGACACGCCATCATGTCCTT-3'

ClinVar aggregate classification (germline): Likely pathogenic (1 of 4 stars; one submission).

Conditions:
RYR1-related disorder. Also called: RYR1-related condition; RYR1-related disorders. Identifiers: MedGen CN239331.

Submission:

Labcorp Genetics (formerly Invitae), Labcorp
Classification: Likely pathogenic for RYR1-related disorder. Last evaluated: 2023-02-21. Review status: criteria provided, single submitter. Criteria: Invitae Variant Classification Sherloc (09022015). Collection method: clinical testing. Allele origin: germline.
Comment: Disruption of this splice site has been observed in individual(s) with autosomal recessive congenital myopathy (PMID: 21911697). Algorithms developed to predict the effect of sequence changes on RNA splicing suggest that this variant may disrupt the consensus splice site. In summary, the currently available evidence indicates that the variant is pathogenic, but additional data are needed to prove that conclusively. Therefore, this variant has been classified as Likely Pathogenic. This sequence change affects an acceptor splice site in intron 44 of the RYR1 gene. It is expected to disrupt RNA splicing. Variants that disrupt the donor or acceptor splice site typically lead to a loss of protein function (PMID: 16199547), and loss-of-function variants in RYR1 are known to be pathogenic (PMID: 23919265, 25960145, 28818389, 30611313). This variant is not present in population databases (gnomAD no frequency).

Literature cited by the submitters: PubMed 21911697; PubMed 16199547; PubMed 23919265; PubMed 25960145; PubMed 28818389; PubMed 30611313.